The following is an entry in ClinVar:

ClinVar aggregate classification (germline): Conflicting classifications of pathogenicity. Review status: criteria provided, conflicting classifications (1 of 4 stars). 5 submissions from 5 submitters: Uncertain significance (4); Likely benign (1). Last evaluated 2026-01-13.

Allele frequency attached by ClinVar (database versions not stated): ExAC 0.00006; ESP Exome Variant Server 0.00008; TOPMed 0.00009; 1000 Genomes Project 30x 0.00016.
gnomAD v4.1: 45 of 1,555,046 alleles (0.0029%); highest among the groups gnomAD compares: African/African-American, 0.027%; no homozygotes.

Submissions (5):

Labcorp Genetics (formerly Invitae), Labcorp
Classification: Likely benign. Last evaluated: 2026-01-13. Review status: criteria provided, single submitter. Criteria: Invitae Variant Classification Sherloc (09022015). Collection method: clinical testing. Allele origin: germline.

GeneDx
Classification: Uncertain significance. Last evaluated: 2025-09-10. Review status: criteria provided, single submitter. Criteria: GeneDx Variant Classification Process June 2021. Collection method: clinical testing. Allele origin: germline.
Comment: In silico analysis supports that this missense variant has a deleterious effect on protein structure/function; Has not been previously published as pathogenic or benign to our knowledge

Blueprint Genetics
Classification: Uncertain significance. Last evaluated: 2024-07-05. Review status: criteria provided, single submitter. Criteria: ACMG Guidelines, 2015. Collection method: clinical testing. Allele origin: germline.

ARUP Laboratories, Molecular Genetics and Genomics, ARUP Laboratories
Classification: Uncertain significance. Last evaluated: 2017-09-22. Review status: criteria provided, single submitter. Criteria: ARUP Molecular Germline Variant Investigation Process. Collection method: clinical testing. Allele origin: germline.
Comment: The c.7150C>T; p.Arg2384Trp variant (rs377475657) has not been reported in the medical literature, gene specific variation databases, nor has it been previously identified by our laboratory. This variant is listed in the Genome Aggregation Database (gnomAD) with an overall population frequency of 0.004 percent (identified on 11 out of 236,328 chromosomes), and has been reported to the ClinVar database as a variant of uncertain significance (Variation ID: 46362). The arginine at position 2,384 is moderately conserved considering 12 species (Alamut v2.9.0) and computational analyses of the effects of the p.Arg2384Trp variant on protein structure and function provides conflicting results (SIFT: damaging, MutationTaster: polymorphism, PolyPhen-2: probably damaging). Altogether, there is not enough evidence to classify the p.Arg2384Trp variant with certainty.

Laboratory for Molecular Medicine, Mass General Brigham Personalized Medicine
Classification: Uncertain significance. Last evaluated: 2011-05-04. Review status: criteria provided, single submitter. Criteria: LMM Criteria. Collection method: clinical testing. Allele origin: germline. Observed: 1 variant allele.
Comment: Variant classified as Uncertain Significance - Favor Benign. The Arg2384Trp vari ant in GPR98 has not been reported in the literature nor previously identified b y our laboratory. Computational analyses (biochemical amino acid properties, hom ology, PolyPhen2, SIFT, AlignGVGD) do not provide strong support for or against pathogenicity. In summary, the clinical significance of this variant cannot be d etermined with certainty at this time.

NM_032119.4(ADGRV1):c.7150C>T (p.Arg2384Trp)

Gene: ADGRV1 (adhesion G protein-coupled receptor V1; plus strand). Cytogenetic location: 5q14.3.
Variant type: single nucleotide variant.
Coding change: c.7150C>T on transcript NM_032119.4 (MANE Select); coding-DNA position 7150, C replaced by T.
Protein change: p.Arg2384Trp; replaces arginine 2384 with tryptophan.
Molecular consequence: missense variant. On other transcripts: non-coding transcript variant (1).
Genome position (GRCh38, 1-based): chr5:90,693,906, C>T. VCF-style: chr5-90693906-C-T. GRCh37 (hg19) VCF-style: chr5-89989723-C-T.
Other names: short protein forms R2384W.
Identifiers: ClinVar variation 46362 (VCV000046362.21), dbSNP rs377475657, ClinGen allele CA138194.